The following is an entry in ClinVar:

ClinVar aggregate classification (germline): Pathogenic (1 of 4 stars; one submission).

Conditions:
Hereditary cancer-predisposing syndrome. Also called: Neoplastic Syndromes, Hereditary; Tumor predisposition; Hereditary neoplastic syndrome; Hereditary Cancer Syndrome. Identifiers: Orphanet 140162, MedGen C0027672, MeSH D009386, MONDO:0015356.

Submission:

Ambry Genetics
Classification: Pathogenic for Hereditary cancer-predisposing syndrome. Last evaluated: 2026-07-30. Review status: criteria provided, single submitter. Criteria: Ambry Variant Classification Scheme 2023. Collection method: clinical testing. Allele origin: germline.
Comment: The c.4892delG pathogenic mutation, located in coding exon 14 of the BRCA1 gene, results from a deletion of one nucleotide at nucleotide position 4892, causing a translational frameshift with a predicted alternate stop codon (p.S1631Mfs*2). This variant is considered to be rare based on population cohorts in the Genome Aggregation Database (gnomAD). This alteration is expected to result in loss of function by premature protein truncation or nonsense-mediated mRNA decay. As such, this alteration is interpreted as a disease-causing mutation.

NM_007294.4(BRCA1):c.4892del (p.Ser1631fs)

Gene: BRCA1 (BRCA1 DNA repair associated; minus strand). Cytogenetic location: 17q21.31.
Variant type: Deletion.
Coding change: c.4892del on transcript NM_007294.4 (MANE Select); coding-DNA position 4892, one base deleted (G; older notation c.4892delG).
Protein change: p.Ser1631fs; shifts the reading frame from serine 1631.
Molecular consequence: frameshift variant. On other transcripts: intron variant (1).
Genome position (GRCh38, 1-based): chr17:43,071,022, C deleted on the plus strand (G on the coding strand, the reverse complement: BRCA1 is on the minus strand). VCF-style (leftmost placement, unchanged base first): chr17-43071021-AC-A. GRCh37 (hg19) VCF-style: chr17-41223038-AC-A.
Other names: c.4748del, p.Ser1583fs (NM_001407944.1, NM_001407945.1, NM_001407943.1 and 21 more transcripts); c.4559del, p.Ser1520fs (NM_001407946.1, NM_001407947.1, NM_001407948.1 and 1 more transcripts); c.4556del, p.Ser1519fs (NM_001407950.1, NM_001407951.1, NM_001407952.1 and 3 more transcripts); c.4553del, p.Ser1518fs (NM_001407956.1, NM_001407957.1, NM_001407958.1); c.4511del, p.Ser1504fs (NM_001407959.1); c.4508del, p.Ser1503fs (NM_001407960.1, NM_001407962.1); c.1460del, p.Ser487fs (NM_001408429.1, NM_001408430.1, NM_001408431.1 and 4 more transcripts); c.1457del, p.Ser486fs (NM_001408432.1, NM_001408433.1, NM_001408434.1 and 10 more transcripts); and 71 more; short protein forms S1502fs, S1504fs, S1541fs, S1559fs, S1561fs, S1583fs, S1589fs, S1603fs.
Identifiers: ClinVar variation 5033197 (VCV005033197.1).
Genomic context (GRCh38, chr17:43,071,021, plus strand): 5'-GGACATTCTTTTGTTGACCCTTTCTGTTGAAGCTGTCAATTCTGGCTTCTCCCTGCTCAC[AC>A]TTTCTTCCATTGCATTATACCCAGCAGTATCAGTAGTATGAGCAGCAGCTGGACTCTGGG-3'